The following is an entry in ClinVar:

NM_203447.4(DOCK8):c.2510_2521del (p.Leu837_Asp840del)

Gene: DOCK8 (dedicator of cytokinesis 8; plus strand). Cytogenetic location: 9p24.3.
Variant type: Deletion.
Coding change: c.2510_2521del on transcript NM_203447.4 (MANE Select); coding-DNA positions 2510 to 2521, 12 bases deleted (TGAGCAAGGACC).
Protein change: p.Leu837_Asp840del.
Molecular consequence: inframe deletion. On other transcripts: inframe indel (1).
Genome position (GRCh38, 1-based): chr9:379,840-379,851, TGAGCAAGGACC deleted; deleting any 12 consecutive bases within chr9:379,830-379,851 gives the same sequence; the c. name uses the placement nearest the transcript's 3' end. VCF-style (leftmost placement, unchanged base first): chr9-379829-CAGCAAGGACCTG-C. GRCh37 (hg19) VCF-style: chr9-379829-CAGCAAGGACCTG-C.
Other names: p.Leu837_Asp840del; c.2306_2317del, p.Leu769_Asp772del (NM_001190458.2, NM_001193536.2); c.2510_2521delTGAGCAAGGACC, p.Leu837_Asp840del (NM_203447.3).
Identifiers: ClinVar variation 4541412 (VCV004541412.1).

ClinVar aggregate classification (germline): Uncertain significance (1 of 4 stars; one submission).

Submission:

Mayo Clinic Laboratories, Mayo Clinic
Classification: Uncertain significance. Last evaluated: 2025-05-19. Review status: criteria provided, single submitter. Criteria: ACMG Guidelines, 2015. Collection method: clinical testing. Allele origin: germline. Observed: 1 variant allele.
Comment: PM2_supporting, PM4